The following is an entry in ClinVar:

ClinVar aggregate classification (germline): Pathogenic (1 of 4 stars; one submission).

Submission:

Labcorp Genetics (formerly Invitae), Labcorp
Classification: Pathogenic. Last evaluated: 2025-04-26. Review status: criteria provided, single submitter. Criteria: Invitae Variant Classification Sherloc (09022015). Collection method: clinical testing. Allele origin: germline.
Comment: This sequence change creates a premature translational stop signal (p.Ala657Thrfs*2) in the LZTR1 gene. It is expected to result in an absent or disrupted protein product. Loss-of-function variants in LZTR1 are known to be pathogenic (PMID: 24362817, 25335493, 25480913, 25795793, 29469822, 30368668, 30442762, 30442766, 30481304, 30859559). This variant is present in population databases (no rsID available, gnomAD 0.007%). This variant has not been reported in the literature in individuals affected with LZTR1-related conditions. For these reasons, this variant has been classified as Pathogenic.

Literature cited by the submitters: PubMed 24362817; PubMed 25335493; PubMed 25480913; PubMed 25795793; PubMed 29469822; PubMed 30368668; PubMed 30442762; PubMed 30442766; PubMed 30481304; PubMed 30859559.

NM_006767.4(LZTR1):c.1967_1968insAACATGAA (p.Lys656_Ala657insThrTer)

Gene: LZTR1 (leucine zipper like post translational regulator 1; plus strand). Cytogenetic location: 22q11.21.
Variant type: Insertion.
Coding change: c.1967_1968insAACATGAA on transcript NM_006767.4 (MANE Select); coding-DNA positions 1967 to 1968, AACATGAA inserted.
Protein change: p.Lys656_Ala657insThrTer.
Molecular consequence: nonsense, inframe insertion.
Genome position: GRCh38 VCF-style: chr22-20995763-G-GACATGAAA. GRCh37 (hg19) VCF-style: chr22-21350052-G-GACATGAAA.
Identifiers: ClinVar variation 4718345 (VCV004718345.1).